The following is an entry in ClinVar:

NM_014639.4(SKIC3):c.2012-1G>A

Gene: SKIC3 (SKI3 subunit of superkiller complex; minus strand). Cytogenetic location: 5q15.
Variant type: single nucleotide variant.
Coding change: c.2012-1G>A on transcript NM_014639.4 (MANE Select); the canonical splice acceptor site of the intron before coding-DNA position 2012, G replaced by A.
Molecular consequence: splice acceptor variant.
Genome position (GRCh38, 1-based): chr5:95,520,819, C>T on the plus strand (G>A on the coding strand, the complement: SKIC3 is on the minus strand). VCF-style: chr5-95520819-C-T. GRCh37 (hg19) VCF-style: chr5-94856523-C-T.
Identifiers: ClinVar variation 3652380 (VCV003652380.2).
Genomic context (GRCh38, chr5:95,520,819, plus strand): 5'-TTCCATCAAGATAATCAACTAGAGCTGCTTTTGCCATCATAAGATGGCATTCACCCAAAC[C>T]TAAAATCAGGTAAGTTTGTCACTGTTATTAAAACATATAAAATAAACACTTAAAATGAAC-3'

ClinVar aggregate classification (germline): Likely pathogenic (1 of 4 stars; one submission).

gnomAD v4.1: 4 of 1,606,926 alleles (0.00025%); highest among the groups gnomAD compares: Non-Finnish European, 0.00026%; no homozygotes.

Submission:

Labcorp Genetics (formerly Invitae), Labcorp
Classification: Likely pathogenic. Last evaluated: 2024-05-06. Review status: criteria provided, single submitter. Criteria: Invitae Variant Classification Sherloc (09022015). Collection method: clinical testing. Allele origin: germline.
Comment: This sequence change affects an acceptor splice site in intron 19 of the TTC37 gene. It is expected to disrupt RNA splicing. Variants that disrupt the donor or acceptor splice site typically lead to a loss of protein function (PMID: 16199547), and loss-of-function variants in TTC37 are known to be pathogenic (PMID: 20176027, 21120949). This variant is not present in population databases (gnomAD no frequency). This variant has not been reported in the literature in individuals affected with TTC37-related conditions. Algorithms developed to predict the effect of sequence changes on RNA splicing suggest that this variant may disrupt the consensus splice site. In summary, the currently available evidence indicates that the variant is pathogenic, but additional data are needed to prove that conclusively. Therefore, this variant has been classified as Likely Pathogenic.

Literature cited by the submitters: PubMed 16199547; PubMed 20176027; PubMed 21120949.